The following is an entry in ClinVar:

ClinVar aggregate classification (germline): Likely benign (1 of 4 stars; one submission).

Submission:

CeGaT Center for Human Genetics Tuebingen
Classification: Likely benign. Last evaluated: 2023-04-01. Review status: criteria provided, single submitter. Criteria: CeGaT Center For Human Genetics Tuebingen Variant Classification Criteria Version 2. Collection method: clinical testing. Allele origin: germline. Affected: yes. Observed: 2 variant alleles.
Comment: DAPL1: BS2

NC_000002.12:g.158826495AT[16]

Gene: DAPL1 (death associated protein like 1; plus strand). Cytogenetic location: 2q24.1.
Variant type: Microsatellite.
Genome position: GRCh38 VCF-style: chr2-158826494-C-CATATATATATATATAT. GRCh37 (hg19) VCF-style: chr2-159683006-C-CATATATATATATATAT.
Identifiers: ClinVar variation 2651449 (VCV002651449.24), dbSNP rs750057852, ClinGen allele CA759555517.
Genomic context (GRCh38, chr2:158,826,494, plus strand): 5'-CCAGCCTTTTCACCATGGTTGCAGCTGGAAGGAAACAAGTGGATTTGACACAAGGTGCTC[C>CATATATATATATATAT]ATATATATATATATATTTTTTTTTTTTTTTTTTTTTTTGAGACAGAGTCTTGCTCTGTCA-3'